The following is an entry in ClinVar:

ClinVar aggregate classification (germline): Uncertain significance (1 of 4 stars; one submission).

Conditions:
Charcot-Marie-Tooth disease dominant intermediate C (CMTDIC). Also called: CHARCOT-MARIE-TOOTH NEUROPATHY, DOMINANT INTERMEDIATE C. Identifiers: Orphanet 100045, MedGen C1842237, MONDO:0012012, OMIM 608323.

Submission:

Labcorp Genetics (formerly Invitae), Labcorp
Classification: Uncertain significance for Charcot-Marie-Tooth disease dominant intermediate C. Last evaluated: 2020-01-25. Review status: criteria provided, single submitter. Criteria: Invitae Variant Classification Sherloc (09022015). Collection method: clinical testing. Allele origin: germline.
Comment: In summary, the available evidence is currently insufficient to determine the role of this variant in disease. Therefore, it has been classified as a Variant of Uncertain Significance. The current clinical and genetic evidence is not sufficient to establish whether loss-of-function variants in YARS cause disease. This variant has not been reported in the literature in individuals with YARS-related conditions. This variant is not present in population databases (ExAC no frequency). This sequence change creates a premature translational stop signal (p.Lys335Asnfs*55) in the YARS gene. It is expected to result in an absent or disrupted protein product.

NM_003680.4(YARS1):c.1005del (p.Lys335fs)

Gene: YARS1 (tyrosyl-tRNA synthetase 1; minus strand). Cytogenetic location: 1p35.1.
Variant type: Deletion.
Coding change: c.1005del on transcript NM_003680.4 (MANE Select); coding-DNA position 1005, one base deleted (A; older notation c.1005delA).
Protein change: p.Lys335fs; shifts the reading frame from lysine 335.
Molecular consequence: frameshift variant.
Genome position (GRCh38, 1-based): chr1:32,782,441, T deleted on the plus strand (A on the coding strand, the reverse complement: YARS1 is on the minus strand); the first of 6 consecutive T bases (chr1:32,782,441-32,782,446); deleting any one gives the same sequence. VCF-style (leftmost placement, unchanged base first): chr1-32782440-GT-G. GRCh37 (hg19) VCF-style: chr1-33248041-GT-G.
Other names: short protein forms K335fs.
Identifiers: ClinVar variation 1022511 (VCV001022511.7), dbSNP rs1653090321, ClinGen allele CA2473064100.
Genomic context (GRCh38, chr1:32,782,440, plus strand): 5'-CGGCCCCTCTCCAGCTGGCCTTACTCTGCTTTGAGGGATCTGGGTAGGCAGCGCTGGCCA[GT>G]TTTTTCAGGGCAGGGGTATTAAACTTTTCCCGGATTGGATCCAGCAACTTGTTCAGTGCG-3'